The following is an entry in ClinVar:

ClinVar aggregate classification (germline): Likely benign (1 of 4 stars; one submission).

Conditions:
Colorectal cancer, susceptibility to, 12 (CRCS12). Also called: COLORECTAL CANCER, SUSCEPTIBILITY TO, ON CHROMOSOME 12q24. Identifiers: Orphanet 220460, MedGen C3554460, MONDO:0014038, OMIM 615083.

gnomAD v4.1: 1 of 1,565,360 alleles (0.000064%); highest among the groups gnomAD compares: Non-Finnish European, 0.000087%; no homozygotes.

Submission:

Myriad Genetics, Inc.
Classification: Likely benign for Colorectal cancer, susceptibility to, 12. Last evaluated: 2025-02-07. Review status: criteria provided, single submitter. Criteria: Myriad Autosomal Dominant, Autosomal Recessive and X-Linked Classification Criteria (2023). Collection method: clinical testing. Allele origin: unknown.
Comment: This variant is considered likely benign. This variant is intronic and is not expected to impact mRNA splicing.

NM_006231.4(POLE):c.1020+9G>A

Gene: POLE (DNA polymerase epsilon, catalytic subunit; minus strand). Cytogenetic location: 12q24.33.
Variant type: single nucleotide variant.
Coding change: c.1020+9G>A on transcript NM_006231.4 (MANE Select); 9 bases into the intron after coding-DNA position 1020, G replaced by A.
Molecular consequence: intron variant.
Genome position (GRCh38, 1-based): chr12:132,676,085, C>T on the plus strand (G>A on the coding strand, the complement: POLE is on the minus strand). VCF-style: chr12-132676085-C-T. GRCh37 (hg19) VCF-style: chr12-133252671-C-T.
Identifiers: ClinVar variation 3904449 (VCV003904449.1).
Genomic context (GRCh38, chr12:132,676,085, plus strand): 5'-GCCTTGGAAAGATCCACATGTCCGTTCTTCCCACAATACCGGGTAGTTTCCCAAGTGATA[C>T]CTCCTTACCTCATCGGGTTCATTGAAGACACAAAAGGGGCCTTCATATTCTGGCTTGGGG-3'